The following is an entry in ClinVar:

NM_178857.6(RP1L1):c.2409C>T (p.Ser803=)

Gene: RP1L1 (RP1 like 1). Cytogenetic location: 8p23.1.
Variant type: single nucleotide variant.
Coding change: c.2409C>T on transcript NM_178857.6 (MANE Select); coding-DNA position 2409, C replaced by T.
Protein change: p.Ser803=; no amino-acid change (serine 803 retained).
Molecular consequence: synonymous variant.
Genome position (GRCh38, 1-based): chr8:10,611,689, G>A on the plus strand (C>T on the coding strand, the complement: RP1L1 is on the minus strand). VCF-style: chr8-10611689-G-A. GRCh37 (hg19) VCF-style: chr8-10469199-G-A.
Other names: c.2409C>T (NM_178857.5).
Identifiers: ClinVar variation 4899296 (VCV004899296.2).

ClinVar aggregate classification (germline): Likely benign. Review status: criteria provided, multiple submitters, no conflicts (2 of 4 stars). 2 submissions from 2 submitters: Likely benign (2). Last evaluated 2026-08-31.

Conditions:
RP1L1-related disorder. Also called: RP1L1-related condition.

gnomAD v4.1: 38 of 1,613,474 alleles (0.0024%); highest among the groups gnomAD compares: African/African-American, 0.044%; no homozygotes.

Submissions (2):

PreventionGenetics, part of Exact Sciences
Classification: Likely benign for RP1L1-related condition. Last evaluated: 2026-08-31. Review status: criteria provided, single submitter. Criteria: ACMG Guidelines, 2015. Collection method: clinical testing. Allele origin: germline.
Comment: This variant is classified as likely benign based on ACMG/AMP sequence variant interpretation guidelines (Richards et al. 2015 PMID: 25741868, with internal and published modifications).

Blueprint Genetics
Classification: Likely benign. Last evaluated: 2023-04-14. Review status: criteria provided, single submitter. Criteria: ACMG Guidelines, 2015. Collection method: clinical testing. Allele origin: germline.